The following is an entry in ClinVar:

NM_000094.4(COL7A1):c.7008G>A (p.Gly2336=)

Gene: COL7A1 (collagen type VII alpha 1 chain; minus strand). Cytogenetic location: 3p21.31.
Variant type: single nucleotide variant.
Coding change: c.7008G>A on transcript NM_000094.4 (MANE Select); coding-DNA position 7008, G replaced by A.
Protein change: p.Gly2336=; no amino-acid change (glycine 2336 retained).
Molecular consequence: synonymous variant.
Genome position (GRCh38, 1-based): chr3:48,572,142, C>T on the plus strand (G>A on the coding strand, the complement: COL7A1 is on the minus strand). VCF-style: chr3-48572142-C-T. GRCh37 (hg19) VCF-style: chr3-48609575-C-T.
Identifiers: ClinVar variation 717903 (VCV000717903.38), dbSNP rs117723065, ClinGen allele CA2378729.

ClinVar aggregate classification (germline): Benign/Likely benign. Review status: criteria provided, multiple submitters, no conflicts (2 of 4 stars). 6 submissions from 6 submitters: Benign (2); Likely benign (3). 1 of the submissions does not count toward it. Last evaluated 2026-02-01.

Conditions:
Epidermolysis bullosa dystrophica. Also called: Dystrophic epidermolysis bullosa, Hallopeau-Siemens type (formerly); Dystrophic epidermolysis bullosa. Identifiers: Orphanet 303, MedGen C0079294, MONDO:0006543.
Epidermolysis bullosa dystrophica inversa, autosomal recessive. Identifiers: MedGen C2673612.

Allele frequency attached by ClinVar (database versions not stated): ESP Exome Variant Server 0.00008; gnomAD 0.00019 and 0.00038; TOPMed 0.00056; ExAC 0.00092; 1000 Genomes Project 30x 0.00265; 1000 Genomes Project 0.00319.

Submissions (6):

Labcorp Genetics (formerly Invitae), Labcorp
Classification: Benign. Last evaluated: 2026-02-01. Review status: criteria provided, single submitter. Criteria: Invitae Variant Classification Sherloc (09022015). Collection method: clinical testing. Allele origin: germline.

Blueprint Genetics
Classification: Likely benign. Last evaluated: 2024-11-15. Review status: criteria provided, single submitter. Criteria: ACMG Guidelines, 2015. Collection method: clinical testing. Allele origin: germline.

CeGaT Center for Human Genetics Tuebingen
Classification: Benign. Last evaluated: 2024-02-01. Review status: criteria provided, single submitter. Criteria: CeGaT Center For Human Genetics Tuebingen Variant Classification Criteria Version 2. Collection method: clinical testing. Allele origin: germline. Affected: yes. Observed: 1 variant allele.
Comment: COL7A1: BP4, BS1, BS2

Illumina Laboratory Services, Illumina
Classification: Likely benign for Dystrophic epidermolysis bullosa. Last evaluated: 2018-01-13. Review status: criteria provided, single submitter. Criteria: ICSL Variant Classification Criteria 13 December 2019. Collection method: clinical testing. Allele origin: germline.
Comment: This variant was observed in the ICSL laboratory as part of a predisposition screen in an ostensibly healthy population. It had not been previously curated by ICSL or reported in the Human Gene Mutation Database (HGMD: prior to June 1st, 2018), and was therefore a candidate for classification through an automated scoring system. Utilizing variant allele frequency, disease prevalence and penetrance estimates, and inheritance mode, an automated score was calculated to assess if this variant is too frequent to cause the disease. Based on the score and internal cut-off values, a variant classified as likely benign is not then subjected to further curation. The score for this variant resulted in a classification of likely benign for this disease.

Breakthrough Genomics
Classification: Likely benign. Review status: criteria provided, single submitter. Criteria: ACMG Guidelines, 2015. Collection method: not provided. Allele origin: germline. Inheritance: Autosomal recessive inheritance. Affected: yes.

Natera, Inc.
Classification: Benign for Autosomal recessive epidermolysis bullosa dystrophica inversa. Last evaluated: 2020-09-16. Review status: no assertion criteria provided. Collection method: clinical testing. Allele origin: germline. Not counted in ClinVar's aggregate classification.